The following is an entry in ClinVar:

NM_182931.3(KMT2E):c.3527C>T (p.Thr1176Ile)

Gene: KMT2E (lysine methyltransferase 2E (inactive); plus strand). Cytogenetic location: 7q22.3.
Variant type: single nucleotide variant.
Coding change: c.3527C>T on transcript NM_182931.3 (MANE Select); coding-DNA position 3527, C replaced by T.
Protein change: p.Thr1176Ile; replaces threonine 1176 with isoleucine.
Molecular consequence: missense variant.
Genome position (GRCh38, 1-based): chr7:105,109,000, C>T. VCF-style: chr7-105109000-C-T. GRCh37 (hg19) VCF-style: chr7-104749447-C-T.
Other names: c.3527C>T, p.Thr1176Ile (NM_001410908.1, NM_018682.4); short protein forms T1176I.
Identifiers: ClinVar variation 3700715 (VCV003700715.2).

ClinVar aggregate classification (germline): Uncertain significance (1 of 4 stars; one submission).

Submission:

Labcorp Genetics (formerly Invitae), Labcorp
Classification: Uncertain significance. Last evaluated: 2024-05-29. Review status: criteria provided, single submitter. Criteria: Invitae Variant Classification Sherloc (09022015). Collection method: clinical testing. Allele origin: germline.
Comment: This sequence change replaces threonine, which is neutral and polar, with isoleucine, which is neutral and non-polar, at codon 1176 of the KMT2E protein (p.Thr1176Ile). This variant is not present in population databases (gnomAD no frequency). This variant has not been reported in the literature in individuals affected with KMT2E-related conditions. Advanced modeling of protein sequence and biophysical properties (such as structural, functional, and spatial information, amino acid conservation, physicochemical variation, residue mobility, and thermodynamic stability) performed at Invitae indicates that this missense variant is not expected to disrupt KMT2E protein function with a negative predictive value of 80%. In summary, the available evidence is currently insufficient to determine the role of this variant in disease. Therefore, it has been classified as a Variant of Uncertain Significance.